The following is an entry in ClinVar:

ClinVar aggregate classification (germline): Conflicting classifications of pathogenicity. Review status: criteria provided, conflicting classifications (1 of 4 stars). 9 submissions from 9 submitters: Uncertain significance (8); Likely benign (1). Last evaluated 2025-12-29.

Conditions:
Arrhythmogenic right ventricular dysplasia 5. Also called: Arrhythmogenic Right Ventricular Dysplasia/Cardiomyopathy 5; ARRHYTHMOGENIC RIGHT VENTRICULAR DYSPLASIA, FAMILIAL, 5. Identifiers: MedGen C1858379, MONDO:0011459, OMIM 604400.
Auditory neuropathy, autosomal dominant 3 (AUNA3). Identifiers: MedGen C5676964, MONDO:0859235, OMIM 619832.
Emery-Dreifuss muscular dystrophy 7, autosomal dominant (EDMD7). Also called: Emery-Dreifuss muscular dystrophy 7, AD. Identifiers: Orphanet 261, MedGen C3553060, MONDO:0013677, OMIM 614302.
Cardiovascular phenotype. Identifiers: MedGen CN230736.
Cardiomyopathy (CMYO). Also called: Cardiomyopathies. Identifiers: Orphanet 167848, MedGen C0878544, MONDO:0004994, HP:0001638. Inheritance: Various modes of inheritance.
TMEM43-related disorder. Also called: TMEM43-related condition.

Allele frequency attached by ClinVar (database versions not stated): ExAC 0.00002; gnomAD exomes 0.00002 and 0.00001; TOPMed 0.00002; gnomAD 0.00003 and 0.00004; ESP Exome Variant Server 0.00015.

Submissions (9):

Labcorp Genetics (formerly Invitae), Labcorp
Classification: Uncertain significance for Arrhythmogenic right ventricular dysplasia 5. Last evaluated: 2025-12-29. Review status: criteria provided, single submitter. Criteria: Invitae Variant Classification Sherloc (09022015). Collection method: clinical testing. Allele origin: germline.
Comment: This sequence change creates a premature translational stop signal (p.Arg163*) in the TMEM43 gene. It is expected to result in an absent or disrupted protein product. However, the current clinical and genetic evidence is not sufficient to establish whether loss-of-function variants in TMEM43 cause disease. This variant is present in population databases (rs147336367, gnomAD 0.002%). This variant has not been reported in the literature in individuals affected with TMEM43-related conditions. ClinVar contains an entry for this variant (Variation ID: 643003). In summary, the available evidence is currently insufficient to determine the role of this variant in disease. Therefore, it has been classified as a Variant of Uncertain Significance.

PreventionGenetics, part of Exact Sciences
Classification: Uncertain significance for TMEM43-related condition. Last evaluated: 2025-12-12. Review status: criteria provided, single submitter. Criteria: ACMG Guidelines, 2015. Collection method: clinical testing. Allele origin: germline.
Comment: The TMEM43 c.487C>T variant is predicted to result in premature protein termination (p.Arg163*). To our knowledge, this variant has not been reported in the literature. This variant is reported in 0.012% of alleles in individuals of African descent in gnomAD. At this time, the clinical significance of this variant is uncertain due to the absence of conclusive functional and genetic evidence.

Mayo Clinic Laboratories, Mayo Clinic
Classification: Uncertain significance. Last evaluated: 2025-08-29. Review status: criteria provided, single submitter. Criteria: ACMG Guidelines, 2015. Collection method: clinical testing. Allele origin: germline. Observed: 1 variant allele.

Color Diagnostics, LLC DBA Color Health
Classification: Uncertain significance for Cardiomyopathy. Last evaluated: 2025-06-25. Review status: criteria provided, single submitter. Criteria: ACMG Guidelines, 2015. Collection method: clinical testing. Allele origin: germline.
Comment: This variant changes 1 nucleotide in exon 6 of the TMEM43 gene, creating a premature translation stop signal. This variant is expected to result in an absent or non-functional protein product. To our knowledge, this variant has not been reported in individuals affected with TMEM43-related disorders in the literature. This variant has been identified in 5/251454 chromosomes in the general population by the Genome Aggregation Database (gnomAD). Clinical relevance of loss-of-function TMEM43 truncation variants in autosomal dominant cardiovascular disorders is not clearly established. The available evidence is insufficient to determine the role of this variant in disease conclusively. Therefore, this variant is classified as a Variant of Uncertain Significance.

Ambry Genetics
Classification: Likely benign for Cardiovascular phenotype. Last evaluated: 2024-10-09. Review status: criteria provided, single submitter. Criteria: Ambry Variant Classification Scheme 2023. Collection method: clinical testing. Allele origin: germline.

CeGaT Center for Human Genetics Tuebingen
Classification: Uncertain significance. Last evaluated: 2023-12-01. Review status: criteria provided, single submitter. Criteria: CeGaT Center For Human Genetics Tuebingen Variant Classification Criteria Version 2. Collection method: clinical testing. Allele origin: germline. Affected: yes. Observed: 1 variant allele.

All of Us Research Program, National Institutes of Health
Classification: Uncertain significance for Arrhythmogenic right ventricular dysplasia 5. Last evaluated: 2023-11-30. Review status: criteria provided, single submitter. Criteria: ACMG Guidelines, 2015. Collection method: clinical testing. Allele origin: germline. Inheritance: Autosomal dominant inheritance. Observed: 5 variant alleles, 5 heterozygotes.
Comment: This variant changes 1 nucleotide in exon 6 of the TMEM43 gene, creating a premature translation stop signal. This variant is expected to result in an absent or non-functional protein product. This variant has not been reported in individuals affected with cardiovascular disorders in the literature. This variant has been identified in 5/251454 chromosomes in the general population by the Genome Aggregation Database (gnomAD). The role of loss-of-function truncation variants in the TMEM43 gene in cardiovascular disorders is not clearly established. The available evidence is insufficient to determine the role of this variant in disease conclusively. Therefore, this variant is classified as a Variant of Uncertain Significance.

This study involves interpretation of variants in research participants for the purpose of population health screening. Participant phenotype was not available at the time of variant classification. Additional details can be found in publication PMID: 35346344, PMCID: PMC8962531

Fulgent Genetics
Classification: Uncertain significance for Arrhythmogenic right ventricular dysplasia 5; Emery-Dreifuss muscular dystrophy 7, autosomal dominant; Auditory neuropathy, autosomal dominant 3. Last evaluated: 2021-09-23. Review status: criteria provided, single submitter. Criteria: ACMG Guidelines, 2015. Collection method: clinical testing. Allele origin: unknown.

GeneDx
Classification: Uncertain significance. Last evaluated: 2021-02-25. Review status: criteria provided, single submitter. Criteria: GeneDx Variant Classification Process June 2021. Collection method: clinical testing. Allele origin: germline. Affected: yes.
Comment: Has not been previously published as pathogenic or benign to our knowledge; Reported in ClinVar as a variant of uncertain significance (ClinVar Variant ID# 643003; Landrum et al., 2016); Not observed at a significant frequency in large population cohorts (Lek et al., 2016); Nonsense variant predicted to result in protein truncation or nonsense mediated decay in a gene for which loss-of-function is not a known mechanism of disease

NM_024334.3(TMEM43):c.487C>T (p.Arg163Ter)

Gene: TMEM43 (transmembrane protein 43; plus strand). Cytogenetic location: 3p25.1.
Variant type: single nucleotide variant.
Coding change: c.487C>T on transcript NM_024334.3 (MANE Select); coding-DNA position 487, C replaced by T.
Protein change: p.Arg163Ter; replaces arginine 163 with a stop codon.
Molecular consequence: nonsense.
Genome position (GRCh38, 1-based): chr3:14,132,910, C>T. VCF-style: chr3-14132910-C-T. GRCh37 (hg19) VCF-style: chr3-14174410-C-T.
Other names: p.Arg163*; short protein forms R163*.
Identifiers: ClinVar variation 643003 (VCV000643003.43), dbSNP rs147336367, ClinGen allele CA053948.
Genomic context (GRCh38, chr3:14,132,910, plus strand): 5'-TCCTCTCCCTGAGCAGACACTGAATGGAGGTCAGAAATCATCAACAGCAAAAACTTCGAC[C>T]GAGAGATTGGCCACAAAAACCCCAGGTGAGAGCCAGGCCCAAGGCCTGAGTGCAGCTTTG-3'